The following is an entry in ClinVar:

NM_001374736.1(DST):c.16534G>A (p.Glu5512Lys)

Gene: DST (dystonin; minus strand). Cytogenetic location: 6p12.1.
Variant type: single nucleotide variant.
Coding change: c.16534G>A on transcript NM_001374736.1 (MANE Select); coding-DNA position 16534, G replaced by A.
Protein change: p.Glu5512Lys; replaces glutamic acid 5512 with lysine.
Molecular consequence: missense variant.
Genome position (GRCh38, 1-based): chr6:56,552,258, C>T on the plus strand (G>A on the coding strand, the complement: DST is on the minus strand). VCF-style: chr6-56552258-C-T. GRCh37 (hg19) VCF-style: chr6-56417056-C-T.
Other names: c.10177G>A, p.Glu3393Lys (NM_001144769.5); c.9763G>A, p.Glu3255Lys (NM_001144770.2); c.16534G>A, p.Glu5512Lys (NM_001374722.1); c.15901G>A, p.Glu5301Lys (NM_001374729.1); c.9643G>A, p.Glu3215Lys (NM_001374730.1, NM_183380.4); c.16561G>A, p.Glu5521Lys (NM_001374734.1); c.8665G>A, p.Glu2889Lys (NM_015548.5); short protein forms E5512K, E3215K, E2889K, E3393K, E5301K, E3255K, E5521K.
Identifiers: ClinVar variation 969746 (VCV000969746.12), dbSNP rs375888742, ClinGen allele CA3867664.

ClinVar aggregate classification (germline): Uncertain significance. Review status: criteria provided, multiple submitters, no conflicts (2 of 4 stars). 3 submissions from 3 submitters: Uncertain significance (3). Last evaluated 2026-08-24.

Conditions:
Inborn genetic diseases. Identifiers: MedGen C0950123, MeSH D030342.
DST-related disorder. Also called: DST-related condition; DST-related disorders.
Epidermolysis bullosa simplex 3, localized or generalized intermediate, with BP230 deficiency (EBS3). Also called: Epidermolysis bullosa simplex, autosomal recessive 2; Epidermolysis bullosa simplex due to BP230 deficiency. Identifiers: Orphanet 412181, MedGen C3809470, MONDO:0014180, OMIM 615425.
Hereditary sensory and autonomic neuropathy type 6. Also called: HSAN VI; Neuropathy, hereditary sensory and autonomic, type VI. Identifiers: Orphanet 314381, MedGen C3539003, MONDO:0013839, OMIM 614653.

Allele frequency attached by ClinVar (database versions not stated): gnomAD 0.00001; ExAC 0.00004; gnomAD exomes 0.00004 and 0.00006; TOPMed 0.00005; ESP Exome Variant Server 0.00017.
gnomAD v4.1: 95 of 1,613,848 alleles (0.0059%); highest among the groups gnomAD compares: Non-Finnish European, 0.0073%; no homozygotes.

Submissions (3):

PreventionGenetics, part of Exact Sciences
Classification: Uncertain significance for DST-related condition. Last evaluated: 2026-08-24. Review status: criteria provided, single submitter. Criteria: ACMG Guidelines, 2015. Collection method: clinical testing. Allele origin: germline.
Comment: The DST c.10177G>A variant is predicted to result in the amino acid substitution p.Glu3393Lys. To our knowledge, this variant has not been reported in the literature. This variant is reported in 0.0089% of alleles in individuals of European (Non-Finnish) descent in gnomAD. At this time, the clinical significance of this variant is uncertain due to the absence of conclusive functional and genetic evidence.

Labcorp Genetics (formerly Invitae), Labcorp
Classification: Uncertain significance for Epidermolysis bullosa simplex 3, localized or generalized intermediate, with BP230 deficiency; Hereditary sensory and autonomic neuropathy type 6. Last evaluated: 2025-01-14. Review status: criteria provided, single submitter. Criteria: Invitae Variant Classification Sherloc (09022015). Collection method: clinical testing. Allele origin: germline.
Comment: The DST gene has multiple clinically relevant transcripts. This variant occurs in alternate transcript NM_015548.4, and corresponds to NM_001723.5:c.*63259G>A in the primary transcript. This sequence change replaces glutamic acid, which is acidic and polar, with lysine, which is basic and polar, at codon 2889 of the DST protein (p.Glu2889Lys). This variant is present in population databases (rs375888742, gnomAD 0.008%). This variant has not been reported in the literature in individuals affected with DST-related conditions. ClinVar contains an entry for this variant (Variation ID: 969746). Experimental studies and prediction algorithms are not available or were not evaluated, and the functional significance of this variant is currently unknown. In summary, the available evidence is currently insufficient to determine the role of this variant in disease. Therefore, it has been classified as a Variant of Uncertain Significance.

Ambry Genetics
Classification: Uncertain significance for Inborn genetic diseases. Last evaluated: 2020-06-10. Review status: criteria provided, single submitter. Criteria: Ambry Variant Classification Scheme 2023. Collection method: clinical testing. Allele origin: germline.
Comment: The p.E3393K variant (also known as c.10177G>A), located in coding exon 55 of the DST gene, results from a G to A substitution at nucleotide position 10177. The glutamic acid at codon 3393 is replaced by lysine, an amino acid with similar properties. This amino acid position is not well conserved in available vertebrate species. In addition, this alteration is predicted to be tolerated by in silico analysis. Since supporting evidence is limited at this time, the clinical significance of this alteration remains unclear.